The following is an entry in ClinVar:

ClinVar aggregate classification (germline): Uncertain significance. Review status: criteria provided, multiple submitters, no conflicts (2 of 4 stars). 2 submissions from 2 submitters: Uncertain significance (2). Last evaluated 2025-01-08.

Conditions:
Inborn genetic diseases. Identifiers: MedGen C0950123, MeSH D030342.

Allele frequency attached by ClinVar (database versions not stated): gnomAD exomes below 0.00001; TOPMed below 0.00001; 1000 Genomes Project 30x 0.00016; 1000 Genomes Project 0.00020.

Submissions (2):

Ambry Genetics
Classification: Uncertain significance for Inborn genetic diseases. Last evaluated: 2025-01-08. Review status: criteria provided, single submitter. Criteria: Ambry Variant Classification Scheme 2023. Collection method: clinical testing. Allele origin: germline.

Greenwood Genetic Center Diagnostic Laboratories, Greenwood Genetic Center
Classification: Uncertain significance. Last evaluated: 2022-06-16. Review status: criteria provided, single submitter. Criteria: ACMG Guidelines, 2015. Collection method: clinical testing. Allele origin: germline. Affected: yes.
Comment: PM2

NM_001353345.2(SETD1B):c.4970C>T (p.Ala1657Val)

Gene: SETD1B (SET domain containing 1B, histone lysine methyltransferase; plus strand). Cytogenetic location: 12q24.31.
Variant type: single nucleotide variant.
Coding change: c.4970C>T on transcript NM_001353345.2 (MANE Select); coding-DNA position 4970, C replaced by T.
Protein change: p.Ala1657Val; replaces alanine 1657 with valine.
Molecular consequence: missense variant.
Genome position (GRCh38, 1-based): chr12:121,823,549, C>T. VCF-style: chr12-121823549-C-T. GRCh37 (hg19) VCF-style: chr12-122261455-C-T.
Other names: NM_015048.1:c.4841C>T; short protein forms A1657V.
Identifiers: ClinVar variation 1703116 (VCV001703116.4), dbSNP rs570152119, ClinGen allele CA244657385.